The following is an entry in ClinVar:

ClinVar aggregate classification (germline): Uncertain significance (1 of 4 stars; one submission).

Submission:

Labcorp Genetics (formerly Invitae), Labcorp
Classification: Uncertain significance. Last evaluated: 2022-02-02. Review status: criteria provided, single submitter. Criteria: Invitae Variant Classification Sherloc (09022015). Collection method: clinical testing. Allele origin: germline.
Comment: This variant is not present in population databases (gnomAD no frequency). This sequence change replaces alanine, which is neutral and non-polar, with threonine, which is neutral and polar, at codon 277 of the ASAH1 protein (p.Ala277Thr). This variant has not been reported in the literature in individuals affected with ASAH1-related conditions. In summary, the available evidence is currently insufficient to determine the role of this variant in disease. Therefore, it has been classified as a Variant of Uncertain Significance. Algorithms developed to predict the effect of missense changes on protein structure and function are either unavailable or do not agree on the potential impact of this missense change (SIFT: "Tolerated"; PolyPhen-2: "Probably Damaging"; Align-GVGD: "Class C0").

NM_177924.5(ASAH1):c.829G>A (p.Ala277Thr)

Gene: ASAH1 (N-acylsphingosine amidohydrolase 1; minus strand). Cytogenetic location: 8p22.
Variant type: single nucleotide variant.
Coding change: c.829G>A on transcript NM_177924.5 (MANE Select); coding-DNA position 829, G replaced by A.
Protein change: p.Ala277Thr; replaces alanine 277 with threonine.
Molecular consequence: missense variant.
Genome position (GRCh38, 1-based): chr8:18,059,660, C>T on the plus strand (G>A on the coding strand, the complement: ASAH1 is on the minus strand). VCF-style: chr8-18059660-C-T. GRCh37 (hg19) VCF-style: chr8-17917169-C-T.
Other names: c.811G>A, p.Ala271Thr (NM_001127505.3); c.634G>A, p.Ala212Thr (NM_001363743.2); c.877G>A, p.Ala293Thr (NM_004315.6); short protein forms A212T, A277T, A293T, A271T.
Identifiers: ClinVar variation 1501955 (VCV001501955.8), dbSNP rs2117018818, ClinGen allele CA370428220.